The following is an entry in ClinVar:

ClinVar aggregate classification (germline): Likely benign. Review status: criteria provided, multiple submitters, no conflicts (2 of 4 stars). 7 submissions from 7 submitters: Likely benign (6). 1 of the submissions does not count toward it. Last evaluated 2026-01-25.

Conditions:
Carcinoma of colon (CRC). Also called: Colonic carcinoma; Colon carcinoma. Identifiers: MedGen C0699790, MONDO:0002032.
Hereditary cancer-predisposing syndrome. Also called: Hereditary Cancer Syndrome; Neoplastic Syndromes, Hereditary; Hereditary neoplastic syndrome; Tumor predisposition. Identifiers: Orphanet 140162, MedGen C0027672, MeSH D009386, MONDO:0015356.
POLD1-related polyposis and colorectal cancer syndrome (CRCS10). Also called: COLORECTAL CANCER, SUSCEPTIBILITY TO, ON CHROMOSOME 19q; Colorectal cancer 10; Colorectal cancer, susceptibility to, 10. Identifiers: Orphanet 220460, MedGen C2675481, MONDO:0012953, OMIM 612591.
POLD1-related disorder. Also called: POLD1-related condition; POLD1-related disorders.

Allele frequency attached by ClinVar (database versions not stated): gnomAD 0.00002 and 0.00004; TOPMed 0.00008; gnomAD exomes 0.00010; ExAC 0.00013; 1000 Genomes Project 30x 0.00016; 1000 Genomes Project 0.00020.
gnomAD v4.1: 51 of 1,610,888 alleles (0.0032%); highest among the groups gnomAD compares: East Asian, 0.058%; no homozygotes.

Submissions (7):

Labcorp Genetics (formerly Invitae), Labcorp
Classification: Likely benign for POLD1-related polyposis and colorectal cancer syndrome. Last evaluated: 2026-01-25. Review status: criteria provided, single submitter. Criteria: Invitae Variant Classification Sherloc (09022015). Collection method: clinical testing. Allele origin: germline.

PreventionGenetics, part of Exact Sciences
Classification: Likely benign for POLD1-related condition. Last evaluated: 2025-10-21. Review status: criteria provided, single submitter. Criteria: ACMG Guidelines, 2015. Collection method: clinical testing. Allele origin: germline.
Comment: This variant is classified as likely benign based on ACMG/AMP sequence variant interpretation guidelines (Richards et al. 2015 PMID: 25741868, with internal and published modifications).

Center for Genomic Medicine, Rigshospitalet, Copenhagen University Hospital
Classification: Likely benign. Last evaluated: 2025-03-04. Review status: criteria provided, single submitter. Criteria: ACMG Guidelines, 2015. Collection method: clinical testing. Allele origin: germline.

Blueprint Genetics
Classification: Likely benign. Last evaluated: 2024-04-09. Review status: criteria provided, single submitter. Criteria: ACMG Guidelines, 2015. Collection method: clinical testing. Allele origin: germline.

Ambry Genetics
Classification: Likely benign for Hereditary cancer-predisposing syndrome. Last evaluated: 2024-03-07. Review status: criteria provided, single submitter. Criteria: Ambry Variant Classification Scheme 2023. Collection method: clinical testing. Allele origin: germline.

GeneDx
Classification: Likely benign. Last evaluated: 2020-09-08. Review status: criteria provided, single submitter. Criteria: GeneDx Variant Classification Process June 2021. Collection method: clinical testing. Allele origin: germline. Affected: yes.

Department of Pathology and Laboratory Medicine, Sinai Health System
Classification: Uncertain significance for Carcinoma of colon. Review status: no assertion criteria provided. Collection method: clinical testing. Allele origin: unknown. Affected: yes. Study: The Canadian Open Genetics Repository (COGR). Not counted in ClinVar's aggregate classification.
Comment: The POLD1 c.1138-3C>T variant was not identified in the literature. The variant was identified in dbSNP (rs200072694) as â€šÃ„Ãºwith uncertain significance alleleâ€šÃ„Ã¹ and ClinVar (classified as likely benign by Invitae and GeneDx and uncertain significance by Ambry Genetics). The variant was identified in control databases in 27 of 282,630 chromosomes at a frequency of 0.00001 (Genome Aggregation Database Feb 27, 2017). The variant was observed in the following populations: East Asian in 22 of 19,952 chromosomes (freq: 0.001), South Asian in 5 of 30,614 chromosomes (freq: 0.0002), while the variant was not observed in the African, Latino, Ashkenazi Jewish, Finnish, European and Other populations. The c.1138-3C>T variant is located in the 3' splice region but does not affect the invariant -1 and -2 positions. However, positions -3 and -5 to -12 are part of the splicing consensus sequence and variants involving these positions sometimes affect splicing. Further, 2 of 4 in silico or computational prediction software programs (SpliceSiteFinder, MaxEntScan, NNSPLICE, GeneSplicer) predict a greater than 10% difference in splicing; this is not very predictive of pathogenicity. In summary, based on the above information the clinical significance of this variant cannot be determined with certainty at this time. This variant is classified as a variant of uncertain significance.

NM_002691.4(POLD1):c.1138-3C>T

Gene: POLD1 (DNA polymerase delta 1, catalytic subunit; plus strand). Cytogenetic location: 19q13.33.
Variant type: single nucleotide variant.
Coding change: c.1138-3C>T on transcript NM_002691.4 (MANE Select); 3 bases into the intron before coding-DNA position 1138, C replaced by T.
Molecular consequence: intron variant.
Genome position (GRCh38, 1-based): chr19:50,403,490, C>T. VCF-style: chr19-50403490-C-T. GRCh37 (hg19) VCF-style: chr19-50906747-C-T.
Other names: c.1138-3C>T (LRG_785t1, LRG_785t2, NM_001256849.1 and 1 more transcripts).
Identifiers: ClinVar variation 239223 (VCV000239223.22), dbSNP rs200072694, ClinGen allele CA9596051.